The following is an entry in ClinVar:

NM_182961.4(SYNE1):c.4298C>T (p.Thr1433Met)

Gene: SYNE1 (spectrin repeat containing nuclear envelope protein 1; minus strand). Cytogenetic location: 6q25.2.
Variant type: single nucleotide variant.
Coding change: c.4298C>T on transcript NM_182961.4 (MANE Select); coding-DNA position 4298, C replaced by T.
Protein change: p.Thr1433Met; replaces threonine 1433 with methionine.
Molecular consequence: missense variant.
Genome position (GRCh38, 1-based): chr6:152,435,953, G>A on the plus strand (C>T on the coding strand, the complement: SYNE1 is on the minus strand). VCF-style: chr6-152435953-G-A. GRCh37 (hg19) VCF-style: chr6-152757088-G-A.
Other names: c.4319C>T, p.Thr1440Met (NM_033071.5); c.4319C>T (NM_033071.3); short protein forms T1433M, T1440M.
Identifiers: ClinVar variation 284969 (VCV000284969.13), dbSNP rs139798419, ClinGen allele CA4058602.

ClinVar aggregate classification (germline): Uncertain significance. Review status: criteria provided, multiple submitters, no conflicts (2 of 4 stars). 6 submissions from 6 submitters: Uncertain significance (6). Last evaluated 2025-08-22.

Conditions:
Autosomal recessive ataxia, Beauce type. Also called: Spinocerebellar ataxia, autosomal recessive 8; ATAXIA, RECESSIVE, OF BEAUCE; SYNE1-Related Autosomal Recessive Cerebellar Ataxia; SYNE1 Deficiency. Identifiers: Orphanet 88644, MedGen C1853116, MONDO:0012549, OMIM 610743.
Emery-Dreifuss muscular dystrophy 4, autosomal dominant (EDMD4). Also called: EMERY-DREIFUSS MUSCULAR DYSTROPHY 4 WITH VARIABLE FEATURES. Identifiers: Orphanet 261, MedGen C2751807, MONDO:0013071, OMIM 612998.
SYNE1-related disorder. Also called: SYNE1-related disorders; SYNE1-related disease; SYNE1-related condition.

Allele frequency attached by ClinVar (database versions not stated): TOPMed 0.00006; gnomAD 0.00010; ESP Exome Variant Server 0.00015.
gnomAD v4.1: 149 of 1,613,952 alleles (0.0092%); highest among the groups gnomAD compares: Non-Finnish European, 0.012%; no homozygotes.

Submissions (6):

Athena Diagnostics
Classification: Uncertain significance. Last evaluated: 2025-08-22. Review status: criteria provided, single submitter. Criteria: Athena Diagnostics Criteria. Collection method: clinical testing. Allele origin: unknown.
Comment: Available data are insufficient to determine the clinical significance of the variant at this time. The frequency of this variant in the general population is uninformative in assessment of its pathogenicity. Polyphen and MutationTaster yielded discordant predictions regarding whether this amino acid change is damaging to the protein.

PreventionGenetics, part of Exact Sciences
Classification: Uncertain significance for SYNE1-related condition. Last evaluated: 2025-02-10. Review status: criteria provided, single submitter. Criteria: ACMG Guidelines, 2015. Collection method: clinical testing. Allele origin: germline.
Comment: The SYNE1 c.4319C>T variant is predicted to result in the amino acid substitution p.Thr1440Met. To our knowledge, this variant has not been reported in the literature. This variant is reported in 0.020% of alleles in individuals of African descent in gnomAD. At this time, the clinical significance of this variant is uncertain due to the absence of conclusive functional and genetic evidence.

Revvity Omics, Revvity
Classification: Uncertain significance. Last evaluated: 2023-08-15. Review status: criteria provided, single submitter. Criteria: ACMG Guidelines, 2015. Collection method: clinical testing. Allele origin: germline.

Blueprint Genetics
Classification: Uncertain significance. Last evaluated: 2022-11-30. Review status: criteria provided, single submitter. Criteria: ACMG Guidelines, 2015. Collection method: clinical testing. Allele origin: germline.

Labcorp Genetics (formerly Invitae), Labcorp
Classification: Uncertain significance for Emery-Dreifuss muscular dystrophy 4, autosomal dominant; Autosomal recessive ataxia, Beauce type. Last evaluated: 2022-06-25. Review status: criteria provided, single submitter. Criteria: Invitae Variant Classification Sherloc (09022015). Collection method: clinical testing. Allele origin: germline.
Comment: This sequence change replaces threonine, which is neutral and polar, with methionine, which is neutral and non-polar, at codon 1440 of the SYNE1 protein (p.Thr1440Met). This variant is present in population databases (rs139798419, gnomAD 0.02%). This variant has not been reported in the literature in individuals affected with SYNE1-related conditions. ClinVar contains an entry for this variant (Variation ID: 284969). Algorithms developed to predict the effect of missense changes on protein structure and function are either unavailable or do not agree on the potential impact of this missense change (SIFT: "Deleterious"; PolyPhen-2: "Possibly Damaging"; Align-GVGD: "Class C0"). In summary, the available evidence is currently insufficient to determine the role of this variant in disease. Therefore, it has been classified as a Variant of Uncertain Significance.

Eurofins Ntd Llc (ga)
Classification: Uncertain significance. Last evaluated: 2017-05-03. Review status: criteria provided, single submitter. Criteria: EGL Classification Definitions 2015. Collection method: clinical testing. Allele origin: germline. Observed: 3 variant alleles, 3 heterozygotes.